The following is an entry in ClinVar:

ClinVar aggregate classification (germline): Uncertain significance. Review status: criteria provided, multiple submitters, no conflicts (2 of 4 stars). 4 submissions from 4 submitters: Uncertain significance (4). Last evaluated 2026-03-23.

Conditions:
Dilated cardiomyopathy 1CC (CMD1CC). Identifiers: Orphanet 154, MedGen C2751084, MONDO:0013147, OMIM 613122.
Hypertrophic cardiomyopathy 20. Identifiers: MedGen C3151267, MONDO:0013477, OMIM 613876.
Cardiovascular phenotype. Identifiers: MedGen CN230736.

Allele frequency attached by ClinVar (database versions not stated): gnomAD exomes 0.00001; ExAC 0.00002.
gnomAD v4.1: 21 of 1,613,908 alleles (0.0013%); highest among the groups gnomAD compares: South Asian, 0.0044%; no homozygotes.

Submissions (4):

Dasa
Classification: Uncertain significance. Last evaluated: 2026-03-23. Review status: criteria provided, single submitter. Criteria: DASA Assertion Criteria. Collection method: clinical testing. Allele origin: germline.
Comment: NM_144573.4(NEXN):c.416T>C (p.Ile139Thr) is a missense variant that results in the substitution of isoleucine with threonine. This variant is rare in population databases. The currently available literature and clinical evidence are not sufficient to establish a definitive association between this variant and the reported condition. Therefore, this variant is classified as a variant of uncertain significance.

Labcorp Genetics (formerly Invitae), Labcorp
Classification: Uncertain significance for Dilated cardiomyopathy 1CC; Hypertrophic cardiomyopathy 20. Last evaluated: 2025-12-15. Review status: criteria provided, single submitter. Criteria: Invitae Variant Classification Sherloc (09022015). Collection method: clinical testing. Allele origin: germline.
Comment: This sequence change replaces isoleucine, which is neutral and non-polar, with threonine, which is neutral and polar, at codon 139 of the NEXN protein (p.Ile139Thr). This variant is present in population databases (rs774362262, gnomAD 0.003%). This variant has not been reported in the literature in individuals affected with NEXN-related conditions. ClinVar contains an entry for this variant (Variation ID: 1738414). Invitae Evidence Modeling of protein sequence and biophysical properties (such as structural, functional, and spatial information, amino acid conservation, physicochemical variation, residue mobility, and thermodynamic stability) indicates that this missense variant is not expected to disrupt NEXN protein function with a negative predictive value of 80%. In summary, the available evidence is currently insufficient to determine the role of this variant in disease. Therefore, it has been classified as a Variant of Uncertain Significance.

Molecular Diagnostic Laboratory for Inherited Cardiovascular Disease, Montreal Heart Institute
Classification: Uncertain significance for Cardiovascular phenotype. Last evaluated: 2025-04-09. Review status: criteria provided, single submitter. Criteria: ACMG Guidelines, 2015. Collection method: clinical testing. Allele origin: germline. Affected: yes.

Ambry Genetics
Classification: Uncertain significance for Cardiovascular phenotype. Last evaluated: 2021-02-10. Review status: criteria provided, single submitter. Criteria: Ambry Variant Classification Scheme 2023. Collection method: clinical testing. Allele origin: germline.
Comment: The p.I139T variant (also known as c.416T>C), located in coding exon 4 of the NEXN gene, results from a T to C substitution at nucleotide position 416. The isoleucine at codon 139 is replaced by threonine, an amino acid with similar properties. This variant has been detected in a hypertrophic cardiomyopathy cohort; however, details were limited (Mazzarotto F et al. Genet Med, 2019 02;21:284-292). This amino acid position is well conserved in available vertebrate species. In addition, the in silico prediction for this alteration is inconclusive. Since supporting evidence is limited at this time, the clinical significance of this alteration remains unclear.

Literature cited by the submitters: PubMed 29875424 (cited by Ambry Genetics).

NM_144573.4(NEXN):c.416T>C (p.Ile139Thr)

Genes: NEXN (nexilin F-actin binding protein; plus strand), LOC126805765 (BRD4-independent group 4 enhancer GRCh37_chr1:78383688-78384887; plus strand). Cytogenetic location: 1p31.1.
Variant type: single nucleotide variant.
Coding change: c.416T>C on transcript NM_144573.4 (MANE Select); coding-DNA position 416, T replaced by C.
Protein change: p.Ile139Thr; replaces isoleucine 139 with threonine.
Molecular consequence: missense variant.
Genome position (GRCh38, 1-based): chr1:77,918,242, T>C. VCF-style: chr1-77918242-T-C. GRCh37 (hg19) VCF-style: chr1-78383927-T-C.
Other names: c.224T>C, p.Ile75Thr (NM_001172309.2); short protein forms I139T, I75T.
Identifiers: ClinVar variation 1738414 (VCV001738414.9), dbSNP rs774362262, ClinGen allele CA918631.